The following is an entry in ClinVar:

ClinVar aggregate classification (germline): Likely pathogenic (1 of 4 stars; one submission).

Conditions:
GM3 synthase deficiency (SPDRS). Also called: SALT AND PEPPER MENTAL RETARDATION SYNDROME; AMISH INFANTILE EPILEPSY SYNDROME; SALT AND PEPPER DEVELOPMENTAL REGRESSION SYNDROME. Identifiers: Orphanet 171714, Orphanet 370933, MedGen C1836824, MONDO:0018274, OMIM 609056.

Allele frequency attached by ClinVar (database versions not stated): gnomAD exomes below 0.00001; TOPMed below 0.00001; gnomAD 0.00001.
gnomAD v4.1: 2 of 1,613,684 alleles (0.00012%); highest among the groups gnomAD compares: East Asian, 0.0045%; no homozygotes.

Submission:

Labcorp Genetics (formerly Invitae), Labcorp
Classification: Likely pathogenic for GM3 synthase deficiency. Last evaluated: 2023-08-25. Review status: criteria provided, single submitter. Criteria: Invitae Variant Classification Sherloc (09022015). Collection method: clinical testing. Allele origin: germline.
Comment: In summary, the currently available evidence indicates that the variant is pathogenic, but additional data are needed to prove that conclusively. Therefore, this variant has been classified as Likely Pathogenic. Algorithms developed to predict the effect of sequence changes on RNA splicing suggest that this variant may disrupt the consensus splice site. This variant has not been reported in the literature in individuals affected with ST3GAL5-related conditions. This variant is not present in population databases (gnomAD no frequency). This sequence change affects a donor splice site in intron 4 of the ST3GAL5 gene. It is expected to disrupt RNA splicing. Variants that disrupt the donor or acceptor splice site typically lead to a loss of protein function (PMID: 16199547), and loss-of-function variants in ST3GAL5 are known to be pathogenic (PMID: 15502825, 22990144, 27232954).

Literature cited by the submitters: PubMed 16199547; PubMed 15502825; PubMed 22990144; PubMed 27232954.

NM_003896.4(ST3GAL5):c.662+2T>C

Gene: ST3GAL5 (ST3 beta-galactoside alpha-2,3-sialyltransferase 5; minus strand). Cytogenetic location: 2p11.2.
Variant type: single nucleotide variant.
Coding change: c.662+2T>C on transcript NM_003896.4 (MANE Select); the canonical splice donor site of the intron after coding-DNA position 662, T replaced by C.
Molecular consequence: splice donor variant.
Genome position (GRCh38, 1-based): chr2:85,847,859, A>G on the plus strand (T>C on the coding strand, the complement: ST3GAL5 is on the minus strand). VCF-style: chr2-85847859-A-G. GRCh37 (hg19) VCF-style: chr2-86074982-A-G.
Other names: c.278+2T>C (NM_001354248.1, NM_001354226.2, NM_001354233.2 and 3 more transcripts); c.578+2T>C (NM_001354227.2, NM_001354229.2, NM_001354238.1); c.593+2T>C (NM_001042437.2); c.662+2T>C (NM_001363847.1); c.-243+2T>C (NM_001354247.1).
Identifiers: ClinVar variation 2806145 (VCV002806145.3), dbSNP rs1269806627, ClinGen allele CA347531549.
Genomic context (GRCh38, chr2:85,847,859, plus strand): 5'-AAATAAAATAAAATAAAAACAATAAAAATAAGTAAACAAACAAACAAAAAAAACCAATGT[A>G]CCTTATCACAACATCGAACTGGTTCAGGGTGTGGCCCAGTTCTAATCCGTGCAGTATTCC-3'